The following is an entry in ClinVar:

NM_001048174.2(MUTYH):c.237G>T (p.Glu79Asp)

Gene: MUTYH (mutY DNA glycosylase; minus strand). Cytogenetic location: 1p34.1.
Variant type: single nucleotide variant.
Coding change: c.237G>T on transcript NM_001048174.2 (MANE Select); coding-DNA position 237, G replaced by T.
Protein change: p.Glu79Asp; replaces glutamic acid 79 with aspartic acid.
Molecular consequence: missense variant. On other transcripts: 5 prime UTR variant (6), non-coding transcript variant (7).
Genome position (GRCh38, 1-based): chr1:45,333,440, C>A on the plus strand (G>T on the coding strand, the complement: MUTYH is on the minus strand). VCF-style: chr1-45333440-C-A. GRCh37 (hg19) VCF-style: chr1-45799112-C-A.
Other names: c.237G>T, p.Glu79Asp (NM_001048171.2, NM_001048173.2, NM_001293195.2 and 6 more transcripts); c.240G>T, p.Glu80Asp (NM_001048172.2, NM_001407071.1, NM_001407078.1 and 2 more transcripts); c.321G>T, p.Glu107Asp (NM_001128425.2); c.282G>T, p.Glu94Asp (NM_001293190.2); c.270G>T, p.Glu90Asp (NM_001293191.2, NM_001407077.1); c.-40G>T (NM_001293192.2, NM_001293196.2, NM_001407091.1); c.-35G>T (NM_001350650.2, NM_001350651.2, NM_001407082.1); c.312G>T, p.Glu104Asp (NM_001407069.1, NM_012222.3); and 3 more; short protein forms E80D, E104D, E107D, E51D, E79D, E86D, E93D, E94D.
Identifiers: ClinVar variation 2738762 (VCV002738762.4), dbSNP rs2524263945, ClinGen allele CA340136382.

ClinVar aggregate classification (germline): Uncertain significance. Review status: criteria provided, multiple submitters, no conflicts (2 of 4 stars). 2 submissions from 2 submitters: Uncertain significance (2). Last evaluated 2025-08-27.

Conditions:
Hereditary cancer-predisposing syndrome. Also called: Hereditary Cancer Syndrome; Hereditary neoplastic syndrome; Neoplastic Syndromes, Hereditary; Tumor predisposition. Identifiers: Orphanet 140162, MedGen C0027672, MeSH D009386, MONDO:0015356.
Familial adenomatous polyposis 2. Also called: MUTYH-associated polyposis; Adenomas, multiple colorectal; COLORECTAL ADENOMATOUS POLYPOSIS, AUTOSOMAL RECESSIVE; ADENOMAS, MULTIPLE COLORECTAL, AUTOSOMAL RECESSIVE; MUTYH-related attenuated familial adenomatous polyposis; MYH-associated polyposis. Identifiers: Orphanet 220460, Orphanet 247798, MedGen C3272841, MONDO:0012041, OMIM 608456.

Submissions (2):

Ambry Genetics
Classification: Uncertain significance for Hereditary cancer-predisposing syndrome. Last evaluated: 2025-08-27. Review status: criteria provided, single submitter. Criteria: Ambry Variant Classification Scheme 2023. Collection method: clinical testing. Allele origin: germline.
Comment: The p.E107D variant (also known as c.321G>T), located in coding exon 3 of the MUTYH gene, results from a G to T substitution at nucleotide position 321. The glutamic acid at codon 107 is replaced by aspartic acid, an amino acid with highly similar properties. This amino acid position is conserved. In addition, this alteration is predicted to be tolerated by in silico analysis. Based on the available evidence, the clinical significance of this variant remains unclear.

Labcorp Genetics (formerly Invitae), Labcorp
Classification: Uncertain significance for Familial adenomatous polyposis 2. Last evaluated: 2022-11-15. Review status: criteria provided, single submitter. Criteria: Invitae Variant Classification Sherloc (09022015). Collection method: clinical testing. Allele origin: germline.
Comment: In summary, the available evidence is currently insufficient to determine the role of this variant in disease. Therefore, it has been classified as a Variant of Uncertain Significance. Algorithms developed to predict the effect of missense changes on protein structure and function (SIFT, PolyPhen-2, Align-GVGD) all suggest that this variant is likely to be tolerated. This variant has not been reported in the literature in individuals affected with MUTYH-related conditions. This variant is not present in population databases (gnomAD no frequency). This sequence change replaces glutamic acid, which is acidic and polar, with aspartic acid, which is acidic and polar, at codon 107 of the MUTYH protein (p.Glu107Asp).